The following is an entry in ClinVar:

ClinVar aggregate classification (germline): Conflicting classifications of pathogenicity. Review status: criteria provided, conflicting classifications (1 of 4 stars). 4 submissions from 4 submitters: Uncertain significance (1); Likely benign (3). Last evaluated 2026-02-01.

Conditions:
Familial hemophagocytic lymphohistiocytosis 5. Also called: STXBP2-Related Familial Hemophagocytic Lymphohistiocytosis (STXBP2-fHLH). Identifiers: Orphanet 540, MedGen C2751293, MONDO:0013135, OMIM 613101.

Allele frequency attached by ClinVar (database versions not stated): gnomAD 0.00003; TOPMed 0.00005; ExAC 0.00006; gnomAD exomes 0.00006; ESP Exome Variant Server 0.00008; 1000 Genomes Project 30x 0.00016; 1000 Genomes Project 0.00020.
gnomAD v4.1: 79 of 1,613,500 alleles (0.0049%); highest among the groups gnomAD compares: Non-Finnish European, 0.0059%; no homozygotes.

Submissions (4):

CeGaT Center for Human Genetics Tuebingen
Classification: Likely benign. Last evaluated: 2026-02-01. Review status: criteria provided, single submitter. Criteria: CeGaT Center For Human Genetics Tuebingen Variant Classification Criteria Version 2. Collection method: clinical testing. Allele origin: germline. Affected: yes. Observed: 1 variant allele.
Comment: STXBP2: BP4, BP7

Labcorp Genetics (formerly Invitae), Labcorp
Classification: Likely benign for Familial hemophagocytic lymphohistiocytosis 5. Last evaluated: 2026-01-11. Review status: criteria provided, single submitter. Criteria: Invitae Variant Classification Sherloc (09022015). Collection method: clinical testing. Allele origin: germline.

Blueprint Genetics
Classification: Likely benign. Last evaluated: 2024-05-03. Review status: criteria provided, single submitter. Criteria: ACMG Guidelines, 2015. Collection method: clinical testing. Allele origin: germline.

Illumina Laboratory Services, Illumina
Classification: Uncertain significance for Familial hemophagocytic lymphohistiocytosis 5. Last evaluated: 2018-01-12. Review status: criteria provided, single submitter. Criteria: ICSL Variant Classification Criteria 13 December 2019. Collection method: clinical testing. Allele origin: germline.

NM_006949.4(STXBP2):c.1620C>T (p.Gly540=)

Gene: STXBP2 (syntaxin binding protein 2; plus strand). Cytogenetic location: 19p13.2.
Variant type: single nucleotide variant.
Coding change: c.1620C>T on transcript NM_006949.4 (MANE Select); coding-DNA position 1620, C replaced by T.
Protein change: p.Gly540=; no amino-acid change (glycine 540 retained).
Molecular consequence: synonymous variant. On other transcripts: non-coding transcript variant (1).
Genome position (GRCh38, 1-based): chr19:7,647,435, C>T. VCF-style: chr19-7647435-C-T. GRCh37 (hg19) VCF-style: chr19-7712321-C-T.
Other names: c.1611C>T, p.Gly537= (NM_001127396.3); c.1653C>T, p.Gly551= (NM_001272034.2).
Identifiers: ClinVar variation 330561 (VCV000330561.19), dbSNP rs374131788, ClinGen allele CA9144279.